The following is an entry in ClinVar:

ClinVar aggregate classification (germline): Likely pathogenic (1 of 4 stars; one submission).

Conditions:
Developmental and epileptic encephalopathy, 13 (DEE13). Also called: Early infantile epileptic encephalopathy 13; Developmental and Epileptic Encephalopathy (SCN8A-DEE); SCN8A-Related Epilepsy. Identifiers: Orphanet 442835, MedGen C3281191, MONDO:0013801, OMIM 614558.

Submission:

3billion
Classification: Likely pathogenic for Developmental and epileptic encephalopathy, 13. Last evaluated: 2024-01-08. Review status: criteria provided, single submitter. Criteria: ACMG Guidelines, 2015. Collection method: clinical testing. Allele origin: germline. Affected: yes.
Comment: The variant is not observed in the gnomAD v2.1.1 dataset. Predicted Consequence/Location: Frameshift: predicted to result in a loss or disruption of normal protein function through nonsense-mediated decay (NMD) or protein truncation. Multiple pathogenic variants are reported downstream of the variant. Therefore, this variant is classified as Likely pathogenic according to the recommendation of ACMG/AMP guideline.

NM_001330260.2(SCN8A):c.1229_1232dup (p.Met412fs)

Gene: SCN8A (sodium voltage-gated channel alpha subunit 8; plus strand). Cytogenetic location: 12q13.13.
Variant type: Duplication.
Coding change: c.1229_1232dup on transcript NM_001330260.2 (MANE Select); coding-DNA positions 1229 to 1232, 4 bases duplicated (TGGC; older notation c.1229_1232dupTGGC).
Protein change: p.Met412fs; shifts the reading frame from methionine 412.
Molecular consequence: frameshift variant.
Genome position (GRCh38, 1-based): chr12:51,705,511-51,705,514, TGGC duplicated. VCF-style (leftmost placement, unchanged base first): chr12-51705510-G-GTGGC. GRCh37 (hg19) VCF-style: chr12-52099294-G-GTGGC.
Other names: c.1229_1232dup, p.Met412fs (NM_001177984.3, NM_001369788.1, NM_014191.4); short protein forms M412fs.
Identifiers: ClinVar variation 3775820 (VCV003775820.1).